The following is an entry in ClinVar:

ClinVar aggregate classification (germline): not provided (0 of 4 stars; one submission).

Allele frequency attached by ClinVar (database versions not stated): gnomAD 0.00015 and 0.00022; TOPMed 0.00017; ExAC 0.00020; gnomAD exomes 0.00020 and 0.00023; ESP Exome Variant Server 0.00023; 1000 Genomes Project 30x 0.00047; 1000 Genomes Project 0.00060.
gnomAD v4.1: 317 of 1,530,752 alleles (0.021%); highest among the groups gnomAD compares: East Asian, 0.36%; no homozygotes.

Submission:

Human Evolutionary Genetics, Institut Pasteur
No classification provided. Review status: no classification provided. Collection method: not provided. Allele origin: germline.
ClinVar note: Converted during submission from untested to not provided.

NM_001384950.1(NLRC5):c.5238-50C>T

Gene: NLRC5 (NLR family CARD domain containing 5; plus strand). Cytogenetic location: 16q13.
Variant type: single nucleotide variant.
Coding change: c.5238-50C>T on transcript NM_001384950.1 (MANE Select); 50 bases into the intron before coding-DNA position 5238, C replaced by T.
Molecular consequence: intron variant.
Genome position (GRCh38, 1-based): chr16:57,079,496, C>T. VCF-style: chr16-57079496-C-T. GRCh37 (hg19) VCF-style: chr16-57113408-C-T.
Other names: c.5154-50C>T (NM_001384954.1); c.5235-50C>T (NM_001384953.1, NM_001384952.1); c.5148-50C>T (NM_001384957.1); c.5151-50C>T (NM_001384956.1, NM_001384951.1, NM_001384955.1 and 1 more transcripts); c.5061-50C>T (NM_001384959.1); c.5238-50C>T (NM_032206.5); c.5064-50C>T (NM_001384958.1); c.4977-50C>T (NM_001384960.1).
Identifiers: ClinVar variation 103206 (VCV000103206.2), dbSNP rs199476018, ClinGen allele CA230256.
Genomic context (GRCh38, chr16:57,079,496, plus strand): 5'-TCCTAAAACGCCTAGCTTACCCCAGACCCTGGTGGCTCTGGAGGCAGGACCTGCTAGATC[C>T]CCTGACTCAAACAACCCCCATCCCATCCCATGCCCTTCTCCATCCCCAGCCTGGTTTCCT-3'